The following is an entry in ClinVar:

NM_001127649.3(PEX26):c.635G>T (p.Gly212Val)

Gene: PEX26 (peroxisomal biogenesis factor 26; plus strand). Cytogenetic location: 22q11.21.
Variant type: single nucleotide variant.
Coding change: c.635G>T on transcript NM_001127649.3 (MANE Select); coding-DNA position 635, G replaced by T.
Protein change: p.Gly212Val; replaces glycine 212 with valine.
Molecular consequence: missense variant.
Genome position (GRCh38, 1-based): chr22:18,083,700, G>T. VCF-style: chr22-18083700-G-T. GRCh37 (hg19) VCF-style: chr22-18566466-G-T.
Other names: p.Gly212Val; c.635G>T, p.Gly212Val (NM_001199319.2, NM_017929.6); short protein forms G212V.
Identifiers: ClinVar variation 942090 (VCV000942090.6), dbSNP rs769550692, ClinGen allele CA10093366.

ClinVar aggregate classification (germline): Uncertain significance. Review status: criteria provided, multiple submitters, no conflicts (2 of 4 stars). 3 submissions from 3 submitters: Uncertain significance (3). Last evaluated 2025-02-03.

Conditions:
PEX26-related disorder. Also called: PEX26-related condition.
Peroxisome biogenesis disorder 7A (Zellweger). Also called: Peroxisome biogenesis disorder 7A. Identifiers: Orphanet 912, MedGen C3888385, MONDO:0013938, OMIM 614872.
Peroxisome biogenesis disorder 7B (PBD7B). Identifiers: Orphanet 44, MedGen C3553951, MONDO:0013939, OMIM 614873.

Allele frequency attached by ClinVar (database versions not stated): ExAC 0.00004; gnomAD 0.00008 and 0.00007; TOPMed 0.00005; gnomAD exomes 0.00006 and 0.00014.
gnomAD v4.1: 223 of 1,613,904 alleles (0.014%); highest among the groups gnomAD compares: Non-Finnish European, 0.018%; no homozygotes.

Submissions (3):

Mayo Clinic Laboratories, Mayo Clinic
Classification: Uncertain significance. Last evaluated: 2025-02-03. Review status: criteria provided, single submitter. Criteria: ACMG Guidelines, 2015. Collection method: clinical testing. Allele origin: germline. Observed: 1 variant allele.
Comment: BP4_moderate

PreventionGenetics, part of Exact Sciences
Classification: Uncertain significance for PEX26-related condition. Last evaluated: 2023-01-25. Review status: criteria provided, single submitter. Criteria: ACMG Guidelines, 2015. Collection method: clinical testing. Allele origin: germline.
Comment: The PEX26 c.635G>T variant is predicted to result in the amino acid substitution p.Gly212Val. To our knowledge, this variant has not been reported in the literature. This variant is reported in 0.012% of alleles in individuals of European (Non-Finnish) descent in gnomAD. At this time, the clinical significance of this variant is uncertain due to the absence of conclusive functional and genetic evidence.

Labcorp Genetics (formerly Invitae), Labcorp
Classification: Uncertain significance for Peroxisome biogenesis disorder 7A (Zellweger); Peroxisome biogenesis disorder 7B. Last evaluated: 2022-09-13. Review status: criteria provided, single submitter. Criteria: Invitae Variant Classification Sherloc (09022015). Collection method: clinical testing. Allele origin: germline.
Comment: This sequence change replaces glycine, which is neutral and non-polar, with valine, which is neutral and non-polar, at codon 212 of the PEX26 protein (p.Gly212Val). This variant is present in population databases (rs769550692, gnomAD 0.01%). This variant has not been reported in the literature in individuals affected with PEX26-related conditions. ClinVar contains an entry for this variant (Variation ID: 942090). Advanced modeling of protein sequence and biophysical properties (such as structural, functional, and spatial information, amino acid conservation, physicochemical variation, residue mobility, and thermodynamic stability) performed at Invitae indicates that this missense variant is not expected to disrupt PEX26 protein function. In summary, the available evidence is currently insufficient to determine the role of this variant in disease. Therefore, it has been classified as a Variant of Uncertain Significance.